The following is an entry in ClinVar:

NM_182961.4(SYNE1):c.4552G>C (p.Glu1518Gln)

Gene: SYNE1 (spectrin repeat containing nuclear envelope protein 1; minus strand). Cytogenetic location: 6q25.2.
Variant type: single nucleotide variant.
Coding change: c.4552G>C on transcript NM_182961.4 (MANE Select); coding-DNA position 4552, G replaced by C.
Protein change: p.Glu1518Gln; replaces glutamic acid 1518 with glutamine.
Molecular consequence: missense variant.
Genome position (GRCh38, 1-based): chr6:152,430,619, C>G on the plus strand (G>C on the coding strand, the complement: SYNE1 is on the minus strand). VCF-style: chr6-152430619-C-G. GRCh37 (hg19) VCF-style: chr6-152751754-C-G.
Other names: c.4573G>C (NM_033071.3); c.4573G>C, p.Glu1525Gln (NM_033071.5); short protein forms E1518Q, E1525Q.
Identifiers: ClinVar variation 1006596 (VCV001006596.12), dbSNP rs760544014, ClinGen allele CA4058526.

ClinVar aggregate classification (germline): Uncertain significance. Review status: criteria provided, multiple submitters, no conflicts (2 of 4 stars). 3 submissions from 3 submitters: Uncertain significance (3). Last evaluated 2023-11-27.

Conditions:
Autosomal recessive ataxia, Beauce type. Also called: ATAXIA, RECESSIVE, OF BEAUCE; Spinocerebellar ataxia, autosomal recessive 8; SYNE1-Related Autosomal Recessive Cerebellar Ataxia; SYNE1 Deficiency. Identifiers: Orphanet 88644, MedGen C1853116, MONDO:0012549, OMIM 610743.
Emery-Dreifuss muscular dystrophy 4, autosomal dominant (EDMD4). Also called: EMERY-DREIFUSS MUSCULAR DYSTROPHY 4 WITH VARIABLE FEATURES. Identifiers: Orphanet 261, MedGen C2751807, MONDO:0013071, OMIM 612998.
Inborn genetic diseases. Identifiers: MedGen C0950123, MeSH D030342.

Allele frequency attached by ClinVar (database versions not stated): gnomAD exomes 0.00001 and 0.00004; TOPMed 0.00003; ExAC 0.00005.
gnomAD v4.1: 12 of 1,614,152 alleles (0.00074%); highest among the groups gnomAD compares: Admixed American, 0.015%; no homozygotes.

Submissions (3):

Labcorp Genetics (formerly Invitae), Labcorp
Classification: Uncertain significance for Emery-Dreifuss muscular dystrophy 4, autosomal dominant; Autosomal recessive ataxia, Beauce type. Last evaluated: 2023-11-27. Review status: criteria provided, single submitter. Criteria: Invitae Variant Classification Sherloc (09022015). Collection method: clinical testing. Allele origin: germline.
Comment: This sequence change replaces glutamic acid, which is acidic and polar, with glutamine, which is neutral and polar, at codon 1525 of the SYNE1 protein (p.Glu1525Gln). This variant is present in population databases (rs760544014, gnomAD 0.01%). This variant has not been reported in the literature in individuals affected with SYNE1-related conditions. ClinVar contains an entry for this variant (Variation ID: 1006596). An algorithm developed to predict the effect of missense changes on protein structure and function (PolyPhen-2) suggests that this variant is likely to be disruptive. In summary, the available evidence is currently insufficient to determine the role of this variant in disease. Therefore, it has been classified as a Variant of Uncertain Significance.

Revvity Omics, Revvity
Classification: Uncertain significance. Last evaluated: 2023-01-13. Review status: criteria provided, single submitter. Criteria: ACMG Guidelines, 2015. Collection method: clinical testing. Allele origin: germline.

Ambry Genetics
Classification: Uncertain significance for Inborn genetic diseases. Last evaluated: 2021-08-04. Review status: criteria provided, single submitter. Criteria: Ambry Variant Classification Scheme 2023. Collection method: clinical testing. Allele origin: germline.